The following is an entry in ClinVar:

ClinVar aggregate classification (germline): Uncertain significance. Review status: criteria provided, multiple submitters, no conflicts (2 of 4 stars). 3 submissions from 3 submitters: Uncertain significance (3). Last evaluated 2025-08-17.

Conditions:
Familial thoracic aortic aneurysm and aortic dissection (TAAD). Also called: Thoracic aortic aneurysms and dissections. Identifiers: Orphanet 91387, MedGen C4707243, MONDO:0019625.

Allele frequency attached by ClinVar (database versions not stated): TOPMed below 0.00001; ExAC 0.00001.
gnomAD v4.1: 7 of 1,613,986 alleles (0.00043%); highest among the groups gnomAD compares: South Asian, 0.0011%; no homozygotes.

Submissions (3):

Color Diagnostics, LLC DBA Color Health
Classification: Uncertain significance for Familial thoracic aortic aneurysm and aortic dissection. Last evaluated: 2025-08-17. Review status: criteria provided, single submitter. Criteria: ACMG Guidelines, 2015. Collection method: clinical testing. Allele origin: germline.
Comment: This missense variant replaces arginine with histidine at codon 1907 of the MYH11 protein. Computational prediction is inconclusive regarding the impact of this variant on protein structure and function. To our knowledge, functional studies have not been reported for this variant. This variant has not been reported in individuals affected with MYH11-related disorders in the literature. This variant has been identified in 1/251242 chromosomes in the general population by the Genome Aggregation Database (gnomAD). The available evidence is insufficient to determine the role of this variant in disease conclusively. Therefore, this variant is classified as a Variant of Uncertain Significance.

All of Us Research Program, National Institutes of Health
Classification: Uncertain significance for Familial thoracic aortic aneurysm and aortic dissection. Last evaluated: 2024-08-30. Review status: criteria provided, single submitter. Criteria: ACMG Guidelines, 2015. Collection method: clinical testing. Allele origin: germline. Inheritance: Autosomal dominant inheritance. Observed: 3 variant alleles, 3 heterozygotes.
Comment: This missense variant replaces arginine with histidine at codon 1907 of the MYH11 protein. Computational prediction is inconclusive regarding the impact of this variant on protein structure and function (internally defined REVEL score threshold 0.5 < inconclusive < 0.7, PMID: 27666373). To our knowledge, functional studies have not been reported for this variant. This variant has not been reported in individuals affected with MYH11-related disorders in the literature. This variant has been identified in 1/251242 chromosomes in the general population by the Genome Aggregation Database (gnomAD). The available evidence is insufficient to determine the role of this variant in disease conclusively. Therefore, this variant is classified as a Variant of Uncertain Significance.

This study involves interpretation of variants in research participants for the purpose of population health screening. Participant phenotype was not available at the time of variant classification. Additional details can be found in publication PMID: 35346344, PMCID: PMC8962531

Blueprint Genetics
Classification: Uncertain significance. Last evaluated: 2024-01-29. Review status: criteria provided, single submitter. Criteria: ACMG Guidelines, 2015. Collection method: clinical testing. Allele origin: germline.

NM_002474.3(MYH11):c.5699G>A (p.Arg1900His)

Genes: MYH11 (myosin heavy chain 11; minus strand), NDE1 (nudE neurodevelopment protein 1; plus strand). Cytogenetic location: 16p13.11.
Variant type: single nucleotide variant.
Coding change: c.5699G>A on transcript NM_002474.3 (MANE Select); coding-DNA position 5699, G replaced by A.
Protein change: p.Arg1900His; replaces arginine 1900 with histidine.
Molecular consequence: missense variant. On other transcripts: intron variant (2).
Genome position (GRCh38, 1-based): chr16:15,714,996, C>T on the plus strand (G>A on the coding strand, the complement: MYH11 is on the minus strand). VCF-style: chr16-15714996-C-T. GRCh37 (hg19) VCF-style: chr16-15808853-C-T.
Other names: c.5720G>A, p.Arg1907His (NM_001040113.2, NM_001040114.2); c.5699G>A, p.Arg1900His (NM_022844.3); c.948-9195C>T (NM_001143979.2, NM_017668.3); short protein forms R1900H, R1907H.
Identifiers: ClinVar variation 3072202 (VCV003072202.4), dbSNP rs771212799, ClinGen allele CA7921159.